The following is an entry in ClinVar:

NM_194454.3(KRIT1):c.715C>A (p.Gln239Lys)

Gene: KRIT1 (KRIT1 ankyrin repeat containing; minus strand). Cytogenetic location: 7q21.2.
Variant type: single nucleotide variant.
Coding change: c.715C>A on transcript NM_194454.3 (MANE Select); coding-DNA position 715, C replaced by A.
Protein change: p.Gln239Lys; replaces glutamine 239 with lysine.
Molecular consequence: missense variant. On other transcripts: intron variant (1).
Genome position (GRCh38, 1-based): chr7:92,235,417, G>T on the plus strand (C>A on the coding strand, the complement: KRIT1 is on the minus strand). VCF-style: chr7-92235417-G-T. GRCh37 (hg19) VCF-style: chr7-91864731-G-T.
Other names: c.715C>A, p.Gln239Lys (NM_001013406.2, NM_001350669.1, NM_001350670.1 and 29 more transcripts); c.15+117C>A (NM_001350671.1); short protein forms Q239K.
Identifiers: ClinVar variation 3667309 (VCV003667309.2).

ClinVar aggregate classification (germline): Uncertain significance (1 of 4 stars; one submission).

Conditions:
Cerebral cavernous malformation (CCM). Also called: CAVERNOUS ANGIOMA, FAMILIAL; CAVERNOUS ANGIOMATOUS MALFORMATIONS; CEREBRAL CAPILLARY MALFORMATIONS; Cavernous Hemangioma of Brain; Cerebral cavernous hemangioma (type); Cerebral cavernous malformations. Identifiers: Orphanet 221061, MedGen C2919945, MONDO:0000820, OMIM 116860, HP:0033522.

Submission:

Labcorp Genetics (formerly Invitae), Labcorp
Classification: Uncertain significance for Cerebral cavernous malformation. Last evaluated: 2025-02-10. Review status: criteria provided, single submitter. Criteria: Invitae Variant Classification Sherloc (09022015). Collection method: clinical testing. Allele origin: germline.
Comment: This sequence change replaces glutamine, which is neutral and polar, with lysine, which is basic and polar, at codon 239 of the KRIT1 protein (p.Gln239Lys). This variant is not present in population databases (gnomAD no frequency). This variant has not been reported in the literature in individuals affected with KRIT1-related conditions. Invitae Evidence Modeling of protein sequence and biophysical properties (such as structural, functional, and spatial information, amino acid conservation, physicochemical variation, residue mobility, and thermodynamic stability) indicates that this missense variant is not expected to disrupt KRIT1 protein function with a negative predictive value of 80%. Algorithms developed to predict the effect of sequence changes on RNA splicing suggest that this variant may disrupt the consensus splice site. In summary, the available evidence is currently insufficient to determine the role of this variant in disease. Therefore, it has been classified as a Variant of Uncertain Significance.